The following is an entry in ClinVar:

ClinVar aggregate classification (germline): Benign. Review status: criteria provided, multiple submitters, no conflicts (2 of 4 stars). 5 submissions from 5 submitters: Benign (5). Last evaluated 2024-07-31.

Conditions:
Deficiency of aromatic-L-amino-acid decarboxylase. Also called: DDC DEFICIENCY; DOPA DECARBOXYLASE DEFICIENCY; Aromatic L-Amino Acid Decarboxylase Deficiency; Aromatic amino acid decarboxylase deficiency; AADC DEFICIENCY. Identifiers: Orphanet 35708, MedGen C1291564, MONDO:0012084, OMIM 608643.

Allele frequency attached by ClinVar (database versions not stated): 1000 Genomes Project 0.52376; 1000 Genomes Project 30x 0.52951; ESP Exome Variant Server 0.54913; TOPMed 0.55562.
gnomAD v4.1: 903,875 of 1,605,454 alleles (56%); highest among the groups gnomAD compares: Admixed American, 64%; 255,938 homozygotes.

Submissions (6):

Unidad de Genómica Garrahan, Hospital de Pediatría Garrahan
Classification: Benign. Last evaluated: 2024-07-31. Review status: criteria provided, single submitter. Criteria: ACMG Guidelines, 2015. Collection method: clinical testing. Allele origin: germline. Affected: no. Observed: 70 variant alleles.
Comment: This variant is classified as Benign based on local population frequency. This variant was detected in 75% of patients studied in a panel designed for Epileptic and Developmental Encephalopathy, Progressive Myoclonus Epilepsy and Abnormal Movements and Neurodegeneration with brain iron accumulation. Number of patients: 70. Only high quality variants are reported.

Mayo Clinic Laboratories, Mayo Clinic
Classification: Benign. Last evaluated: 2022-04-14. Review status: criteria provided, single submitter. Criteria: ACMG Guidelines, 2015. Collection method: clinical testing. Allele origin: germline. Observed: 25 variant alleles.

Genome-Nilou Lab
Classification: Benign for Deficiency of aromatic-L-amino-acid decarboxylase. Last evaluated: 2021-07-30. Review status: criteria provided, single submitter. Criteria: ACMG Guidelines, 2015. Collection method: clinical testing. Allele origin: germline. Affected: no.

GeneDx
Classification: Benign. Last evaluated: 2021-03-15. Review status: criteria provided, single submitter. Criteria: GeneDx Variant Classification Process June 2021. Collection method: clinical testing. Allele origin: germline. Affected: yes.

Breakthrough Genomics
Classification: Benign. Review status: criteria provided, single submitter. Criteria: ACMG Guidelines, 2015. Collection method: not provided. Allele origin: germline. Inheritance: Autosomal recessive inheritance. Affected: yes.

Dr. Peter K. Rogan Lab, Western University
No classification provided (evidence only). Condition: Hepatocellular carcinoma. Review status: no classification provided. Collection method: in vitro. Allele origin: not applicable. Functional consequence: retained intron. Not counted in ClinVar's aggregate classification.

NM_001082971.2(DDC):c.945-23T>G

Gene: DDC (dopa decarboxylase; minus strand). Cytogenetic location: 7p12.2.
Variant type: single nucleotide variant.
Coding change: c.945-23T>G on transcript NM_001082971.2 (MANE Select); 23 bases into the intron before coding-DNA position 945, T replaced by G.
Molecular consequence: intron variant.
Genome position (GRCh38, 1-based): chr7:50,479,886, A>C on the plus strand (T>G on the coding strand, the complement: DDC is on the minus strand). VCF-style: chr7-50479886-A-C. GRCh37 (hg19) VCF-style: chr7-50547584-A-C.
Other names: NC_000007.13:g.50547584A>C; p.?; c.711-23T>G (NM_001242888.2); c.831-23T>G (NM_001242886.2); c.666-23T>G (NM_001242889.2); c.801-23T>G (NM_001242887.2); c.945-23T>G (NM_000790.4).
Identifiers: ClinVar variation 1226166 (VCV001226166.10), dbSNP rs11575457, ClinGen allele CA4262144.